The following is an entry in ClinVar:

ClinVar aggregate classification (germline): Uncertain significance (1 of 4 stars; one submission).

Conditions:
GM1 gangliosidosis. Identifiers: Orphanet 354, MedGen C0085131, MONDO:0018149.
Mucopolysaccharidosis, MPS-IV-B (MPS4B). Also called: MORQUIO SYNDROME B; Mucopolysaccharidosis Type IVB (Morquio B Disease); Mucopolysaccharidosis type IV B; Mucopolysaccharidosis Type IVB; Mucopolysaccharidosis type 4B; Mucopolysaccharidosis type IVB (Morquio). Identifiers: Orphanet 309310, Orphanet 582, MedGen C0086652, MONDO:0009660, OMIM 253010.

Submission:

Labcorp Genetics (formerly Invitae), Labcorp
Classification: Uncertain significance for Mucopolysaccharidosis, MPS-IV-B; GM1 gangliosidosis. Last evaluated: 2022-06-19. Review status: criteria provided, single submitter. Criteria: Invitae Variant Classification Sherloc (09022015). Collection method: clinical testing. Allele origin: germline.
Comment: Experimental studies and prediction algorithms are not available or were not evaluated, and the effect of this variant on mRNA splicing is currently unknown. In summary, the available evidence is currently insufficient to determine the role of this variant in disease. Therefore, it has been classified as a Variant of Uncertain Significance. This variant has not been reported in the literature in individuals affected with GLB1-related conditions. This sequence change falls in intron 8 of the GLB1 gene. It does not directly change the encoded amino acid sequence of the GLB1 protein. This variant is not present in population databases (gnomAD no frequency).

NM_000404.4(GLB1):c.914+15_914+16delinsAGTGTGAACTTGTGAGTGTTT

Gene: GLB1 (galactosidase beta 1; minus strand). Cytogenetic location: 3p22.3.
Variant type: Indel.
Coding change: c.914+15_914+16delinsAGTGTGAACTTGTGAGTGTTT on transcript NM_000404.4 (MANE Select); bases 15 to 16 of the intron after coding-DNA position 914, CC replaced by AGTGTGAACTTGTGAGTGTTT.
Molecular consequence: intron variant.
Genome position (GRCh38, 1-based): chr3:33,051,867-33,051,868, GG replaced by AAACACTCACAAGTTCACACT on the plus strand (CC replaced by AGTGTGAACTTGTGAGTGTTT on the coding strand, the reverse complement: GLB1 is on the minus strand). VCF-style: chr3-33051867-GG-AAACACTCACAAGTTCACACT. GRCh37 (hg19) VCF-style: chr3-33093359-GG-AAACACTCACAAGTTCACACT.
Other names: c.914+15_914+16delinsAGTGTGAACTTGTGAGTGTTT (NM_001393580.1); c.521+15_521+16delinsAGTGTGAACTTGTGAGTGTTT (NM_001135602.3); c.1058+15_1058+16delinsAGTGTGAACTTGTGAGTGTTT (NM_001317040.2); c.824+15_824+16delinsAGTGTGAACTTGTGAGTGTTT (NM_001079811.3).
Identifiers: ClinVar variation 2008534 (VCV002008534.4), dbSNP rs2471374540, ClinGen allele CA2580069267.
Genomic context (GRCh38, chr3:33,051,867, plus strand): 5'-AAACAAAAGAACACGGTACTTCACTGTGAGCCCATGGCTACTGAGGGCACCCTCCCCTCA[GG>AAACACTCACAAGTTCACACT]CAATGAACACTCACAAGTTCACACTCGCCCCACGGGCAAGTATATCATAGAGGGAGGAAG-3'